The following is an entry in ClinVar:

ClinVar aggregate classification (germline): Likely benign. Review status: criteria provided, multiple submitters, no conflicts (2 of 4 stars). 4 submissions from 4 submitters: Likely benign (4). Last evaluated 2025-12-23.

Conditions:
Hereditary cancer-predisposing syndrome. Also called: Tumor predisposition; Neoplastic Syndromes, Hereditary; Hereditary neoplastic syndrome; Hereditary Cancer Syndrome. Identifiers: Orphanet 140162, MedGen C0027672, MeSH D009386, MONDO:0015356.
Breast-ovarian cancer, familial, susceptibility to, 4. Identifiers: Orphanet 145, MedGen C3280345, MONDO:0013669, OMIM 614291.

Allele frequency attached by ClinVar (database versions not stated): gnomAD exomes 0.00001 and 0.00003; ExAC 0.00003.
gnomAD v4.1: 12 of 1,603,528 alleles (0.00075%); highest among the groups gnomAD compares: Non-Finnish European, 0.00094%; no homozygotes.

Submissions (4):

Labcorp Genetics (formerly Invitae), Labcorp
Classification: Likely benign for Breast-ovarian cancer, familial, susceptibility to, 4. Last evaluated: 2025-12-23. Review status: criteria provided, single submitter. Criteria: Invitae Variant Classification Sherloc (09022015). Collection method: clinical testing. Allele origin: germline.

Blueprint Genetics
Classification: Likely benign. Last evaluated: 2024-08-05. Review status: criteria provided, single submitter. Criteria: ACMG Guidelines, 2015. Collection method: clinical testing. Allele origin: germline.

GeneDx
Classification: Likely benign. Last evaluated: 2017-01-26. Review status: criteria provided, single submitter. Criteria: GeneDx Variant Classification (06012015). Collection method: clinical testing. Allele origin: germline. Affected: yes.
Comment: This variant is considered likely benign or benign based on one or more of the following criteria: it is a conservative change, it occurs at a poorly conserved position in the protein, it is predicted to be benign by multiple in silico algorithms, and/or has population frequency not consistent with disease.

Color Diagnostics, LLC DBA Color Health
Classification: Likely benign for Hereditary cancer-predisposing syndrome. Last evaluated: 2016-09-30. Review status: criteria provided, single submitter. Criteria: ACMG Guidelines, 2015. Collection method: clinical testing. Allele origin: germline.

NM_002878.4(RAD51D):c.738+13G>T

Genes: RAD51D (RAD51 paralog D; minus strand), RAD51L3-RFFL (RAD51L3-RFFL readthrough; minus strand). Cytogenetic location: 17q12.
Variant type: single nucleotide variant.
Coding change: c.738+13G>T on transcript NM_002878.4 (MANE Select); 13 bases into the intron after coding-DNA position 738, G replaced by T.
Molecular consequence: intron variant.
Genome position (GRCh38, 1-based): chr17:35,103,241, C>A on the plus strand (G>T on the coding strand, the complement: RAD51D is on the minus strand). VCF-style: chr17-35103241-C-A. GRCh37 (hg19) VCF-style: chr17-33430260-C-A.
Other names: c.402+13G>T (NM_133629.3); c.798+13G>T (NM_001142571.2).
Identifiers: ClinVar variation 383855 (VCV000383855.12), dbSNP rs752733014, ClinGen allele CA8499369.